The following is an entry in ClinVar:

ClinVar aggregate classification (germline): Uncertain significance (1 of 4 stars; one submission).

Conditions:
Hereditary cancer-predisposing syndrome. Also called: Hereditary neoplastic syndrome; Hereditary Cancer Syndrome; Neoplastic Syndromes, Hereditary; Tumor predisposition. Identifiers: Orphanet 140162, MedGen C0027672, MeSH D009386, MONDO:0015356.

Submission:

Ambry Genetics
Classification: Uncertain significance for Hereditary cancer-predisposing syndrome. Last evaluated: 2023-05-15. Review status: criteria provided, single submitter. Criteria: Ambry Variant Classification Scheme 2023. Collection method: clinical testing. Allele origin: germline.
Comment: The c.1019_1027dupACCTGTGCC variant (also known as p.H340_C342dup), located in coding exon 12 of the MUTYH gene, results from an in-frame duplication of ACCTGTGCC at nucleotide positions 1019 to 1027. This results in the duplication of 3 extra residues (HLC) between codons 340 and 342. These amino acid positions are generally well conserved in available vertebrate species. In addition, the in silico prediction for this alteration is inconclusive (Choi Y et al. PLoS ONE. 2012; 7(10):e46688). Since supporting evidence is limited at this time, the clinical significance of this alteration remains unclear.

NM_001048174.2(MUTYH):c.935_943dup (p.Cys314_Leu315insHisLeuCys)

Gene: MUTYH (mutY DNA glycosylase; minus strand). Cytogenetic location: 1p34.1.
Variant type: Duplication.
Coding change: c.935_943dup on transcript NM_001048174.2 (MANE Select); coding-DNA positions 935 to 943, 9 bases duplicated (ACCTGTGCC; older notation c.935_943dupACCTGTGCC).
Protein change: p.Cys314_Leu315insHisLeuCys.
Molecular consequence: inframe insertion. On other transcripts: non-coding transcript variant (7), inframe indel (1).
Genome position (GRCh38, 1-based): chr1:45,331,820-45,331,828, GGCACAGGT duplicated on the plus strand (ACCTGTGCC on the coding strand, the reverse complement: MUTYH is on the minus strand); duplicating any 9 consecutive bases within chr1:45,331,820-45,331,833 gives the same sequence; the c. name uses the placement nearest the transcript's 3' end. VCF-style (leftmost placement, unchanged base first): chr1-45331819-A-AGGCACAGGT. GRCh37 (hg19) VCF-style: chr1-45797491-A-AGGCACAGGT.
Other names: c.935_943dup, p.Cys314_Leu315insHisLeuCys (NM_001048171.2, NM_001048173.2, NM_001293195.2 and 6 more transcripts); c.938_946dup, p.Cys315_Leu316insHisLeuCys (NM_001048172.2, NM_001407071.1, NM_001407078.1 and 1 more transcripts); c.1019_1027dup, p.Cys342_Leu343insHisLeuCys (NM_001128425.2); c.980_988dup, p.Cys329_Leu330insHisLeuCys (NM_001293190.2); c.968_976dup, p.Cys325_Leu326insHisLeuCys (NM_001293191.2, NM_001407069.1, NM_001407077.1); c.659_667dup, p.Cys222_Leu223insHisLeuCys (NM_001293192.2, NM_001293196.2, NM_001407091.1); c.590_598dup, p.Cys199_Leu200insHisLeuCys (NM_001350650.2, NM_001350651.2, NM_001407082.1); c.851_859dup, p.Cys286_Leu287insHisLeuCys (NM_001407075.1); and 6 more.
Identifiers: ClinVar variation 2567647 (VCV002567647.2), dbSNP rs2524020630, ClinGen allele CA2580611174.